The following is an entry in ClinVar:

ClinVar aggregate classification (germline): Uncertain significance. Review status: criteria provided, multiple submitters, no conflicts (2 of 4 stars). 2 submissions from 2 submitters: Uncertain significance (2). Last evaluated 2025-04-01.

Conditions:
Hypertrophic cardiomyopathy. Also called: HYPERTROPHIC MYOCARDIOPATHY. Identifiers: Orphanet 217569, MedGen C0007194, MeSH D002312, MONDO:0005045, HP:0001639.

Submissions (2):

Labcorp Genetics (formerly Invitae), Labcorp
Classification: Uncertain significance for Hypertrophic cardiomyopathy. Last evaluated: 2025-04-01. Review status: criteria provided, single submitter. Criteria: Invitae Variant Classification Sherloc (09022015). Collection method: clinical testing. Allele origin: germline.
Comment: This sequence change replaces glutamic acid, which is acidic and polar, with glycine, which is neutral and non-polar, at codon 1768 of the MYH7 protein (p.Glu1768Gly). This variant is not present in population databases (gnomAD no frequency). This variant has not been reported in the literature in individuals affected with MYH7-related conditions. ClinVar contains an entry for this variant (Variation ID: 3380178). Invitae Evidence Modeling of protein sequence and biophysical properties (such as structural, functional, and spatial information, amino acid conservation, physicochemical variation, residue mobility, and thermodynamic stability) indicates that this missense variant is expected to disrupt MYH7 protein function with a positive predictive value of 95%. This variant disrupts the p.Glu1768 amino acid residue in MYH7. Other variant(s) that disrupt this residue have been determined to be pathogenic (PMID: 15358028, 24111713, 24510615, 27247418, 27600940). This suggests that this residue is clinically significant, and that variants that disrupt this residue are likely to be disease-causing. In summary, the available evidence is currently insufficient to determine the role of this variant in disease. Therefore, it has been classified as a Variant of Uncertain Significance.

Mayo Clinic Laboratories, Mayo Clinic
Classification: Uncertain significance. Last evaluated: 2024-08-02. Review status: criteria provided, single submitter. Criteria: ACMG Guidelines, 2015. Collection method: clinical testing. Allele origin: germline. Observed: 1 variant allele.
Comment: PP3, PM2

Literature cited by the submitters: PubMed 15358028 (cited by Labcorp Genetics (formerly Invitae), Labcorp); PubMed 24111713 (cited by Labcorp Genetics (formerly Invitae), Labcorp); PubMed 24510615 (cited by Labcorp Genetics (formerly Invitae), Labcorp); PubMed 27247418 (cited by Labcorp Genetics (formerly Invitae), Labcorp); PubMed 27600940 (cited by Labcorp Genetics (formerly Invitae), Labcorp); PubMed 33673806 (cited by Mayo Clinic Laboratories, Mayo Clinic); PubMed 35653365 (cited by Mayo Clinic Laboratories, Mayo Clinic).

NM_000257.4(MYH7):c.5303A>G (p.Glu1768Gly)

Genes: MYH7 (myosin heavy chain 7; minus strand), LOC126861897 (BRD4-independent group 4 enhancer GRCh37_chr14:23884455-23885654; plus strand). Cytogenetic location: 14q11.2.
Variant type: single nucleotide variant.
Coding change: c.5303A>G on transcript NM_000257.4 (MANE Select); coding-DNA position 5303, A replaced by G.
Protein change: p.Glu1768Gly; replaces glutamic acid 1768 with glycine.
Molecular consequence: missense variant.
Genome position (GRCh38, 1-based): chr14:23,415,251, T>C on the plus strand (A>G on the coding strand, the complement: MYH7 is on the minus strand). VCF-style: chr14-23415251-T-C. GRCh37 (hg19) VCF-style: chr14-23884460-T-C.
Other names: p.Glu1768Gly; c.5303A>G, p.Glu1768Gly (NM_001407004.1); short protein forms E1768G.
Identifiers: ClinVar variation 3380178 (VCV003380178.2).